The following is an entry in ClinVar:

ClinVar aggregate classification (germline): Pathogenic (1 of 4 stars; one submission).

Submission:

Genetics Laboratory, UDIAT-Centre Diagnòstic, Hospital Universitari Parc Tauli
Classification: Pathogenic. Last evaluated: 2021-04-26. Review status: criteria provided, single submitter. Criteria: Parc Tauli Hospital Assertion Criteria 2021. Collection method: clinical testing. Allele origin: de novo. Inheritance: Autosomal dominant inheritance. Affected: yes. Observed: 1 heterozygote.
Comment: PVS1_very strong;PM2_supporting;PM6_moderate

NM_181351.5(NCAM1):c.1923dup (p.Ile642fs)

Gene: NCAM1 (neural cell adhesion molecule 1; plus strand). Cytogenetic location: 11q23.2.
Variant type: Duplication.
Coding change: c.1923dup on transcript NM_181351.5 (MANE Select); coding-DNA position 1923, one base duplicated (C; older notation c.1923dupC).
Protein change: p.Ile642fs; shifts the reading frame from isoleucine 642.
Molecular consequence: frameshift variant.
Genome position (GRCh38, 1-based): chr11:113,255,971, C duplicated; the last of 5 consecutive C bases (chr11:113,255,967-113,255,971); duplicating any one gives the same sequence. VCF-style (leftmost placement, unchanged base first): chr11-113255966-T-TC. GRCh37 (hg19) VCF-style: chr11-113126688-T-TC.
Other names: c.1893dup, p.Ile632fs (NM_000615.7, NM_001242608.2); c.1998dup, p.Ile667fs (NM_001076682.4); c.2001dup, p.Ile668fs (NM_001242607.2); c.1920dup, p.Ile641fs (NM_001386289.1, NM_001386290.1); c.1890dup, p.Ile631fs (NM_001386291.1, NM_001386292.1); short protein forms I631fs, I632fs, I641fs, I642fs, I667fs, I668fs.
Identifiers: ClinVar variation 1098336 (VCV001098336.2), dbSNP rs2137581837, ClinGen allele CA2499220758.